The following is an entry in ClinVar:

NM_000089.4(COL1A2):c.2710G>C (p.Gly904Arg)

Gene: COL1A2 (collagen type I alpha 2 chain; plus strand). Cytogenetic location: 7q21.3.
Variant type: single nucleotide variant.
Coding change: c.2710G>C on transcript NM_000089.4 (MANE Select); coding-DNA position 2710, G replaced by C.
Protein change: p.Gly904Arg; replaces glycine 904 with arginine.
Molecular consequence: missense variant.
Genome position (GRCh38, 1-based): chr7:94,425,153, G>C. VCF-style: chr7-94425153-G-C. GRCh37 (hg19) VCF-style: chr7-94054465-G-C.
Other names: short protein forms G904R.
Identifiers: ClinVar variation 2431396 (VCV002431396.1), dbSNP rs72659307, ClinGen allele CA162939396.

ClinVar aggregate classification (germline): Likely pathogenic (1 of 4 stars; one submission).

Conditions:
Osteogenesis imperfecta, perinatal lethal (OI2). Also called: Osteogenesis imperfecta type 2; OSTEOGENESIS IMPERFECTA, TYPE II; VROLIK TYPE OF OSTEOGENESIS IMPERFECTA; OI, TYPE II; OSTEOGENESIS IMPERFECTA CONGENITA; Osteogenesis imperfecta, dominant perinatal lethal. Identifiers: Orphanet 216804, MedGen C0268358, MONDO:0008147, OMIM 166210.

Submission:

Laboratorio de Genetica e Diagnostico Molecular, Hospital Israelita Albert Einstein
Classification: Likely pathogenic for Osteogenesis imperfecta, perinatal lethal. Last evaluated: 2023-02-03. Review status: criteria provided, single submitter. Criteria: ACMG Guidelines, 2015. Collection method: clinical testing. Allele origin: germline. Affected: yes. Observed: 1 variant allele.
Comment: ACMG classification criteria: PS4 supporting, PM1 moderated, PM2 moderated, PP3 supporting